The following is an entry in ClinVar:

ClinVar aggregate classification (germline): Likely pathogenic (1 of 4 stars; one submission).

Conditions:
Deficiency of butyryl-CoA dehydrogenase (ACADSD). Also called: SCAD Deficiency; SCADH DEFICIENCY; SCAD DEFICIENCY, MILD; ACYL-CoA DEHYDROGENASE, SHORT-CHAIN, DEFICIENCY OF; ACADS DEFICIENCY; Short-Chain Acyl-CoA Dehydrogenase Deficiency. Identifiers: Orphanet 26792, MedGen C0342783, MONDO:0008722, OMIM 201470. Disease mechanism: May be benign.

Allele frequency attached by ClinVar (database versions not stated): gnomAD exomes 0.00003 and 0.00007; ESP Exome Variant Server 0.00009; gnomAD 0.00009 and 0.00010; ExAC 0.00011; 1000 Genomes Project 30x 0.00016; 1000 Genomes Project 0.00020; TOPMed 0.00022.

Submission:

Research Unit for Molecular Medicine, Department for Clinical Medicine, Aarhus University
Classification: Likely pathogenic for Deficiency of butyryl-CoA dehydrogenase. Last evaluated: 2019-09-12. Review status: criteria provided, single submitter. Criteria: ACMG Guidelines, 2015. Collection method: research. Allele origin: unknown. Inheritance: Oligogenic inheritance. Affected: yes. Observed: 1 variant allele, 1 heterozygote.
Comment: ECHDC1 encodes a 'metabolite repair enzyme' detoxifying ethylmalonic acid (EMA), which is the biochemical hallmark of short-chain acyl-CoA dehydrogenase deficiency (OMIM:201470), caused by biallelic ACADS variants. We provide functional evidence that ECHDC1 c.389T>C is a loss-of function (LOF) variant. The variant was identified in the heterozygous state together with the homozygous ACADS NM_000017.2 c.625G>A susceptibility variant. We provide functional evidence that ECHDC1 haploinsufficiency in combination with ACADS c.625G>A susceptibility variants has a synergistic effect on cellular EMA levels. In a cohort of 82 genetically unsolved EMA patients, we found three unrelated cases with heterozygous LOF ECHDC1 variants combined with ACADS c.625G>A suceptibility variants.

NM_001002030.2(ECHDC1):c.389T>C (p.Met130Thr)

Gene: ECHDC1 (ethylmalonyl-CoA decarboxylase 1; minus strand). Cytogenetic location: 6q22.33.
Variant type: single nucleotide variant.
Coding change: c.389T>C on transcript NM_001002030.2 (MANE Select); coding-DNA position 389, T replaced by C.
Protein change: p.Met130Thr; replaces methionine 130 with threonine.
Molecular consequence: missense variant. On other transcripts: intron variant (2).
Genome position (GRCh38, 1-based): chr6:127,316,477, A>G on the plus strand (T>C on the coding strand, the complement: ECHDC1 is on the minus strand). VCF-style: chr6-127316477-A-G. GRCh37 (hg19) VCF-style: chr6-127637622-A-G.
Other names: c.164T>C, p.Met55Thr (NM_001105544.2); c.407T>C, p.Met136Thr (NM_001139510.2); c.139-1581T>C (NM_001105545.2); c.364-1581T>C (NM_018479.4); short protein forms M130T, M136T, M55T.
Identifiers: ClinVar variation 978063 (VCV000978063.2), dbSNP rs368710940, ClinGen allele CA3988696.